The following continues an entry in ClinVar:

NM_000432.4(MYL2):c.403-1G>C

Gene: MYL2. ClinVar aggregate classification (germline): Conflicting classifications of pathogenicity. Pathogenic (4); Likely pathogenic (4); Uncertain significance (2).

Submissions 9 to 17 of 17:

AiLife Diagnostics
Classification: Likely pathogenic. Last evaluated: 2021-07-22. Review status: criteria provided, single submitter. Criteria: ACMG Guidelines, 2015. Collection method: clinical testing. Allele origin: germline. Affected: yes. Observed: 1 variant allele.

Illumina Laboratory Services, Illumina
Classification: Likely pathogenic for Hypertrophic cardiomyopathy 10. Last evaluated: 2018-11-07. Review status: criteria provided, single submitter. Criteria: ICSL Variant Classification Criteria 09 May 2019. Collection method: clinical testing. Allele origin: germline.
Comment: The MYL2 c.403-1G>C variant occurs in a canonical splice site (acceptor) and is therefore predicted to disrupt or distort the normal gene product. Across a selection of the available literature, the c.403-1G>C variant has been identified in a homozygous state in 11 probands from eight unrelated families, in a compound heterozygous state in two probands, and in a heterozygous state in one proband (Andersen et al. 2001; Weterman et al. 2013). All the homozygous probands died within six months of birth (Weterman et al. 2013). Parents for seven of the homozygous probands were found to be heterozygous for the c.403-1G>C variant but did not exhibit any clinical phenotype consistent with familial hypertrophic cardiomyopathy. Phenotypes of affected individuals included familial hypertrophic cardiomyopathy, pronounced proximal septal hypertrophy, and light chain myopathy (Andersen et al. 2001; Weterman et al. 2013). The c.403-1G>C variant was absent from 150 control subjects and is reported at a frequency of 0.000083 in the European (non-Finnish) population of the Genome Aggregation Database. Analysis of mRNA from proband muscle tissue identified activation of cryptic splice site that causes a frameshift which leads to the C-terminal region of the protein being altered (Weterman et al. 2013). In vitro analysis of c.403-1G>C in BL21 (DE3) cells found reduced binding to myosin heavy chain, decreased maximal contractile force, and induced conformational changes to the regulatory light chain protein when compared to wildtype (Zhou et al. 2016). Due to the potential impact of splice acceptor variants, the c.403-1G>C variant is classified as pathogenic for MYL2-related disorders. This variant was observed by ICSL as part of a predisposition screen in an ostensibly healthy population.

OMIM
Classification: Pathogenic for MYOPATHY, MYOFIBRILLAR, 12, INFANTILE-ONSET, WITH CARDIOMYOPATHY. Last evaluated: 2021-08-05. Review status: no assertion criteria provided. Collection method: literature only. Allele origin: germline. Not counted in ClinVar's aggregate classification.

Leiden Muscular Dystrophy (MYL2)
No classification provided. Last evaluated: 2012-03-26. Review status: no classification provided. Collection method: curation. Allele origin: germline. Not counted in ClinVar's aggregate classification.

Clinical Genetics DNA and cytogenetics Diagnostics Lab, Erasmus MC, Erasmus Medical Center
Classification: Pathogenic. Review status: no assertion criteria provided. Collection method: clinical testing. Allele origin: germline. Affected: yes. Study: VKGL Data-share Consensus. Not counted in ClinVar's aggregate classification.

Clinical Genetics, Academic Medical Center
Classification: Pathogenic. Review status: no assertion criteria provided. Collection method: clinical testing. Allele origin: germline. Affected: yes. Study: VKGL Data-share Consensus. Not counted in ClinVar's aggregate classification.

Diagnostic Laboratory, Department of Genetics, University Medical Center Groningen
Classification: Pathogenic. Review status: no assertion criteria provided. Collection method: clinical testing. Allele origin: germline. Affected: yes. Study: VKGL Data-share Consensus. Not counted in ClinVar's aggregate classification.

Genome Diagnostics Laboratory, University Medical Center Utrecht
Classification: Likely pathogenic. Review status: no assertion criteria provided. Collection method: clinical testing. Allele origin: germline. Affected: yes. Study: VKGL Data-share Consensus. Not counted in ClinVar's aggregate classification.

Joint Genome Diagnostic Labs from Nijmegen and Maastricht, Radboudumc and MUMC+
Classification: Pathogenic. Review status: no assertion criteria provided. Collection method: clinical testing. Allele origin: germline. Affected: yes. Study: VKGL Data-share Consensus. Not counted in ClinVar's aggregate classification.

Literature cited by the submitters: PubMed 11748309 (cited by 5 submitters); PubMed 23365102 (cited by 6 submitters); PubMed 27378946 (cited by 5 submitters); PubMed 17576681 (cited by Labcorp Genetics (formerly Invitae), Labcorp); PubMed 9536098 (cited by Labcorp Genetics (formerly Invitae), Labcorp); PubMed 27476098 (cited by Ambry Genetics); PubMed 29447731 (cited by 3 submitters); PubMed 30847666 (cited by 3 submitters); PubMed 33662488 (cited by Ambry Genetics); PubMed 36178741 (cited by Ambry Genetics); PubMed 28939701 (cited by Color Diagnostics, LLC DBA Color Health); PubMed 30291343 (cited by Color Diagnostics, LLC DBA Color Health and AiLife Diagnostics); PubMed 31980526 (cited by Color Diagnostics, LLC DBA Color Health and AiLife Diagnostics); PubMed 32665702 (cited by Color Diagnostics, LLC DBA Color Health and AiLife Diagnostics); PubMed 33495596 (cited by Color Diagnostics, LLC DBA Color Health); PubMed 9673982 (cited by OMIM).